The following is an entry in ClinVar:

NM_001005337.3(PKP1):c.918C>T (p.Ala306=)

Gene: PKP1 (plakophilin 1; plus strand). Cytogenetic location: 1q32.1.
Variant type: single nucleotide variant.
Coding change: c.918C>T on transcript NM_001005337.3 (MANE Select); coding-DNA position 918, C replaced by T.
Protein change: p.Ala306=; no amino-acid change (alanine 306 retained).
Molecular consequence: synonymous variant.
Genome position (GRCh38, 1-based): chr1:201,317,643, C>T. VCF-style: chr1-201317643-C-T. GRCh37 (hg19) VCF-style: chr1-201286771-C-T.
Other names: c.918C>T, p.Ala306= (NM_000299.4).
Identifiers: ClinVar variation 256862 (VCV000256862.16), dbSNP rs1722779, ClinGen allele CA1324239.

ClinVar aggregate classification (germline): Benign. Review status: criteria provided, multiple submitters, no conflicts (2 of 4 stars). 5 submissions from 5 submitters: Benign (5). Last evaluated 2026-02-03.

Conditions:
Epidermolysis bullosa simplex due to plakophilin deficiency. Also called: MCGRATH SYNDROME. Identifiers: Orphanet 158668, MedGen C1858302, MONDO:0011472, OMIM 604536.

Allele frequency attached by ClinVar (database versions not stated): gnomAD 0.18826 and 0.18534; ESP Exome Variant Server 0.18289; ExAC 0.19395; gnomAD exomes 0.20713 and 0.19576; 1000 Genomes Project 0.16853; 1000 Genomes Project 30x 0.16240; TOPMed 0.19281.
gnomAD v4.1: 330,240 of 1,613,656 alleles (20%); highest among the groups gnomAD compares: East Asian, 23%; 34,917 homozygotes.

Submissions (5):

Labcorp Genetics (formerly Invitae), Labcorp
Classification: Benign. Last evaluated: 2026-02-03. Review status: criteria provided, single submitter. Criteria: Invitae Variant Classification Sherloc (09022015). Collection method: clinical testing. Allele origin: germline.

GeneDx
Classification: Benign. Last evaluated: 2018-11-12. Review status: criteria provided, single submitter. Criteria: GeneDx Variant Classification Process June 2021. Collection method: clinical testing. Allele origin: germline. Affected: yes.

Illumina Laboratory Services, Illumina
Classification: Benign for Epidermolysis bullosa simplex due to plakophilin deficiency. Last evaluated: 2018-01-13. Review status: criteria provided, single submitter. Criteria: ICSL Variant Classification Criteria 13 December 2019. Collection method: clinical testing. Allele origin: germline.
Comment: This variant was observed in the ICSL laboratory as part of a predisposition screen in an ostensibly healthy population. It had not been previously curated by ICSL or reported in the Human Gene Mutation Database (HGMD: prior to June 1st, 2018), and was therefore a candidate for classification through an automated scoring system. Utilizing variant allele frequency, disease prevalence and penetrance estimates, and inheritance mode, an automated score was calculated to assess if this variant is too frequent to cause the disease. Based on the score and internal cut-off values, a variant classified as benign is not then subjected to further curation. The score for this variant resulted in a classification of benign for this disease.

Breakthrough Genomics
Classification: Benign. Review status: criteria provided, single submitter. Criteria: ACMG Guidelines, 2015. Collection method: not provided. Allele origin: germline. Inheritance: Autosomal recessive inheritance. Affected: yes.

PreventionGenetics, part of Exact Sciences
Classification: Benign. Review status: criteria provided, single submitter. Criteria: ACMG Guidelines, 2015. Collection method: clinical testing. Allele origin: germline.